The following is an entry in ClinVar:

ClinVar aggregate classification (germline): Uncertain significance (1 of 4 stars; one submission).

Conditions:
Cardiovascular phenotype. Identifiers: MedGen CN230736.

Submission:

Ambry Genetics
Classification: Uncertain significance for Cardiovascular phenotype. Last evaluated: 2025-10-29. Review status: criteria provided, single submitter. Criteria: Ambry Variant Classification Scheme 2023. Collection method: clinical testing. Allele origin: germline.
Comment: The p.E71G variant (also known as c.212A>G), located in coding exon 3 of the TTR gene, results from an A to G substitution at nucleotide position 212. The glutamic acid at codon 71 is replaced by glycine, an amino acid with similar properties. This variant was reported in individual(s) with features consistent with amyloidosis (Connors LH et al. Amyloid, 2003 Sep;10:160-84; Skrahina V et al. Ann Med. 2021 Dec;53(1):1787-1796). Note, this variant is also referred to as Glu51Gly in the literature. This amino acid position is well conserved in available vertebrate species. In addition, this alteration is predicted to be deleterious by in silico analysis. Based on the available evidence, the clinical significance of this variant remains unclear.

Literature cited by the submitters: PubMed 14640030; PubMed 34658264.

NM_000371.4(TTR):c.212A>G (p.Glu71Gly)

Gene: TTR (transthyretin; plus strand). Cytogenetic location: 18q12.1.
Variant type: single nucleotide variant.
Coding change: c.212A>G on transcript NM_000371.4 (MANE Select); coding-DNA position 212, A replaced by G.
Protein change: p.Glu71Gly; replaces glutamic acid 71 with glycine.
Molecular consequence: missense variant.
Genome position (GRCh38, 1-based): chr18:31,595,131, A>G. VCF-style: chr18-31595131-A-G. GRCh37 (hg19) VCF-style: chr18-29175094-A-G.
Other names: short protein forms E71G.
Identifiers: ClinVar variation 1786369 (VCV001786369.3), dbSNP rs1335700058, ClinGen allele CA402156911.